The following is an entry in ClinVar:

NM_001034853.2(RPGR):c.2922G>A (p.Gly974=)

Gene: RPGR (retinitis pigmentosa GTPase regulator; minus strand). Cytogenetic location: Xp11.4.
Variant type: single nucleotide variant.
Coding change: c.2922G>A on transcript NM_001034853.2 (MANE Select); coding-DNA position 2922, G replaced by A.
Protein change: p.Gly974=; no amino-acid change (glycine 974 retained).
Molecular consequence: synonymous variant. On other transcripts: intron variant (8).
Genome position (GRCh38, 1-based): chrX:38,286,077, C>T on the plus strand (G>A on the coding strand, the complement: RPGR is on the minus strand). VCF-style: chrX-38286077-C-T. GRCh37 (hg19) VCF-style: chrX-38145330-C-T.
Other names: c.2922G>A (NM_001034853.1); c.1569+4882G>A (NM_001367249.1, NM_001367250.1); c.1902+1017G>A (NM_001367245.1); c.1386+4882G>A (NM_001367251.1); c.1719+1017G>A (NM_001367246.1); c.1572+4882G>A (NM_001367247.1); c.1905+1017G>A (NM_000328.3); c.1602+4882G>A (NM_001367248.1).
Identifiers: ClinVar variation 1621030 (VCV001621030.32), dbSNP rs769179127, ClinGen allele CA10385232.

ClinVar aggregate classification (germline): Likely benign. Review status: criteria provided, multiple submitters, no conflicts (2 of 4 stars). 4 submissions from 4 submitters: Likely benign (4). Last evaluated 2026-01-04.

Conditions:
RPGR-related disorder. Also called: RPGR-related condition.
Primary ciliary dyskinesia. Also called: Ciliary dyskinesia. Identifiers: Orphanet 244, MedGen C0008780, MONDO:0016575, HP:0012265.

Allele frequency attached by ClinVar (database versions not stated): gnomAD exomes 0.00035 and 0.00074; gnomAD 0.00036 and 0.00037.
gnomAD v4.1: 317 of 447,501 alleles (0.071%); highest among the groups gnomAD compares: Non-Finnish European, 0.089%; 1 homozygote.

Submissions (4):

Labcorp Genetics (formerly Invitae), Labcorp
Classification: Likely benign for Primary ciliary dyskinesia. Last evaluated: 2026-01-04. Review status: criteria provided, single submitter. Criteria: Invitae Variant Classification Sherloc (09022015). Collection method: clinical testing. Allele origin: germline.

PreventionGenetics, part of Exact Sciences
Classification: Likely benign for RPGR-related condition. Last evaluated: 2025-01-02. Review status: criteria provided, single submitter. Criteria: ACMG Guidelines, 2015. Collection method: clinical testing. Allele origin: germline.
Comment: This variant is classified as likely benign based on ACMG/AMP sequence variant interpretation guidelines (Richards et al. 2015 PMID: 25741868, with internal and published modifications).

Blueprint Genetics
Classification: Likely benign. Last evaluated: 2024-11-20. Review status: criteria provided, single submitter. Criteria: ACMG Guidelines, 2015. Collection method: clinical testing. Allele origin: germline.

CeGaT Center for Human Genetics Tuebingen
Classification: Likely benign. Last evaluated: 2024-02-01. Review status: criteria provided, single submitter. Criteria: CeGaT Center For Human Genetics Tuebingen Variant Classification Criteria Version 2. Collection method: clinical testing. Allele origin: germline. Affected: yes. Observed: 1 variant allele.
Comment: RPGR: BP4, BP7, BS2